The following is an entry in ClinVar:

NM_000531.6(OTC):c.262A>T (p.Lys88Ter)

Gene: OTC (ornithine transcarbamylase; plus strand). Cytogenetic location: Xp11.4.
Variant type: single nucleotide variant.
Coding change: c.262A>T on transcript NM_000531.6 (MANE Select); coding-DNA position 262, A replaced by T.
Protein change: p.Lys88Ter; replaces lysine 88 with a stop codon.
Molecular consequence: nonsense.
Genome position (GRCh38, 1-based): chrX:38,369,841, A>T. VCF-style: chrX-38369841-A-T. GRCh37 (hg19) VCF-style: chrX-38229094-A-T.
Other names: c.262A>T, p.Lys88Ter (NM_001407092.1); short protein forms K88*.
Identifiers: ClinVar variation 1726222 (VCV001726222.2), dbSNP rs2519952402, ClinGen allele CA412716961.

ClinVar aggregate classification (germline): Likely pathogenic (1 of 4 stars; one submission).

Conditions:
Ornithine carbamoyltransferase deficiency (OTCD). Also called: ORNITHINE TRANSCARBAMYLASE DEFICIENCY; ORNITHINE TRANSCARBAMYLASE DEFICIENCY, HYPERAMMONEMIA DUE TO; OTC DEFICIENCY; Ornithine Carbamoyltransferase Deficiency Disease. Identifiers: Orphanet 664, MedGen C0268542, MONDO:0010703, OMIM 311250.

Submission:

Myriad Genetics, Inc.
Classification: Likely pathogenic for Ornithine carbamoyltransferase deficiency. Last evaluated: 2022-05-26. Review status: criteria provided, single submitter. Criteria: Myriad Women's Health Autosomal Recessive and X-Linked Classification Criteria (2021). Collection method: clinical testing. Allele origin: unknown.
Comment: NM_000531.5(OTC):c.262A>T(K88*) is expected to be pathogenic in the context of ornithine transcarbamylase deficiency. This variant is predicted to lead to an abnormal or absent protein product due to the creation of a premature termination codon in OTC, a gene where loss-of-function variants are known to be pathogenic. Please note: this variant was assessed in the context of healthy population screening.